The following is an entry in ClinVar:

ClinVar aggregate classification (germline): Likely benign. Review status: criteria provided, multiple submitters, no conflicts (2 of 4 stars). 3 submissions from 3 submitters: Likely benign (3). Last evaluated 2026-01-28.

Conditions:
Oligodontia-cancer predisposition syndrome. Also called: TOOTH AGENESIS-COLORECTAL CANCER SYNDROME. Identifiers: Orphanet 300576, MedGen C1837750, MONDO:0012075, OMIM 608615. Disease mechanism: loss of function.

Allele frequency attached by ClinVar (database versions not stated): gnomAD 0.00001 and 0.00002; gnomAD exomes 0.00001 and 0.00002; TOPMed 0.00003.
gnomAD v4.1: 35 of 1,593,472 alleles (0.0022%); highest among the groups gnomAD compares: Non-Finnish European, 0.0025%; no homozygotes.

Submissions (3):

Labcorp Genetics (formerly Invitae), Labcorp
Classification: Likely benign for Oligodontia-cancer predisposition syndrome. Last evaluated: 2026-01-28. Review status: criteria provided, single submitter. Criteria: Invitae Variant Classification Sherloc (09022015). Collection method: clinical testing. Allele origin: germline.

Center for Genomic Medicine, Rigshospitalet, Copenhagen University Hospital
Classification: Likely benign. Last evaluated: 2025-03-04. Review status: criteria provided, single submitter. Criteria: ACMG Guidelines, 2015. Collection method: clinical testing. Allele origin: germline.

GeneDx
Classification: Likely benign. Last evaluated: 2017-08-25. Review status: criteria provided, single submitter. Criteria: GeneDx Variant Classification (06012015). Collection method: clinical testing. Allele origin: germline. Affected: yes.
Comment: This variant is considered likely benign or benign based on one or more of the following criteria: it is a conservative change, it occurs at a poorly conserved position in the protein, it is predicted to be benign by multiple in silico algorithms, and/or has population frequency not consistent with disease.

NM_004655.4(AXIN2):c.2141+19T>A

Gene: AXIN2 (axin 2; minus strand). Cytogenetic location: 17q24.1.
Variant type: single nucleotide variant.
Coding change: c.2141+19T>A on transcript NM_004655.4 (MANE Select); 19 bases into the intron after coding-DNA position 2141, T replaced by A.
Molecular consequence: intron variant.
Genome position (GRCh38, 1-based): chr17:65,536,301, A>T on the plus strand (T>A on the coding strand, the complement: AXIN2 is on the minus strand). VCF-style: chr17-65536301-A-T. GRCh37 (hg19) VCF-style: chr17-63532419-A-T.
Other names: c.2141+19T>A (LRG_296t1); c.1946+19T>A (NM_001363813.1).
Identifiers: ClinVar variation 511642 (VCV000511642.10), dbSNP rs959818231, ClinGen allele CA293097750.